The following is an entry in ClinVar:

NM_020436.5(SALL4):c.3152C>T (p.Ala1051Val)

Gene: SALL4 (spalt like transcription factor 4; minus strand). Cytogenetic location: 20q13.2.
Variant type: single nucleotide variant.
Coding change: c.3152C>T on transcript NM_020436.5 (MANE Select); coding-DNA position 3152, C replaced by T.
Protein change: p.Ala1051Val; replaces alanine 1051 with valine.
Molecular consequence: missense variant.
Genome position (GRCh38, 1-based): chr20:51,784,275, G>A on the plus strand (C>T on the coding strand, the complement: SALL4 is on the minus strand). VCF-style: chr20-51784275-G-A. GRCh37 (hg19) VCF-style: chr20-50400814-G-A.
Other names: c.1841C>T, p.Ala614Val (NM_001318031.2); short protein forms A1051V, A614V.
Identifiers: ClinVar variation 2745399 (VCV002745399.27), dbSNP rs373555761, ClinGen allele CA9911912.
Genomic context (GRCh38, chr20:51,784,275, plus strand): 5'-TTCTAGAGATTTCACTGTGTCTGCATTGCTCCTTCCACGCAAGTTCTCCCTTAGCTGACC[G>A]CAATCTTGTTTTCTTCCAGGAAGTGAGGAAACTGGTGTTTGGGAACGCCGTCAGTAGCAC-3'
Protein context (NP_065169.1, residues 1041-1053): FPHFLEENKI[Ala1051Val]VS

ClinVar aggregate classification (germline): Conflicting classifications of pathogenicity. Review status: criteria provided, conflicting classifications (1 of 4 stars). 4 submissions from 4 submitters: Uncertain significance (2); Likely benign (2). Last evaluated 2024-10-24.

Conditions:
Oculootoradial syndrome (IVIC). Also called: RADIAL RAY DEFECTS, HEARING IMPAIRMENT, EXTERNAL OPHTHALMOPLEGIA, AND THROMBOCYTOPENIA; IVIC syndrome. Identifiers: Orphanet 2307, MedGen C1327918, MONDO:0007836, OMIM 147750.
Duane-radial ray syndrome (DRRS). Also called: ACRORENOOCULAR SYNDROME; DR SYNDROME; DUANE ANOMALY WITH RADIAL RAY ABNORMALITIES AND DEAFNESS; Okihiro Syndrome; Duane-Radial Ray Syndrome/Okihiro Syndrome; Duane-Radial Ray Syndrome (DRRS) / Okihiro Syndrome. Identifiers: Orphanet 93293, Orphanet 959, MedGen C1623209, MONDO:0011812, OMIM 607323. Disease mechanism: gain of function.

Allele frequency attached by ClinVar (database versions not stated): ExAC 0.00003; gnomAD 0.00003; TOPMed 0.00003; ESP Exome Variant Server 0.00008.
gnomAD v4.1: 112 of 1,613,738 alleles (0.0069%); highest among the groups gnomAD compares: Non-Finnish European, 0.0082%; no homozygotes.

Submissions (4):

Blueprint Genetics
Classification: Likely benign. Last evaluated: 2024-10-24. Review status: criteria provided, single submitter. Criteria: ACMG Guidelines, 2015. Collection method: clinical testing. Allele origin: germline.

CeGaT Center for Human Genetics Tuebingen
Classification: Uncertain significance. Last evaluated: 2024-02-01. Review status: criteria provided, single submitter. Criteria: CeGaT Center For Human Genetics Tuebingen Variant Classification Criteria Version 2. Collection method: clinical testing. Allele origin: germline. Affected: yes. Observed: 1 variant allele.

Fulgent Genetics
Classification: Likely benign for Oculootoradial syndrome; Duane-radial ray syndrome. Last evaluated: 2024-02-01. Review status: criteria provided, single submitter. Criteria: ACMG Guidelines, 2015. Collection method: clinical testing. Allele origin: germline.

Labcorp Genetics (formerly Invitae), Labcorp
Classification: Uncertain significance for Duane-radial ray syndrome. Last evaluated: 2023-07-07. Review status: criteria provided, single submitter. Criteria: Invitae Variant Classification Sherloc (09022015). Collection method: clinical testing. Allele origin: germline.
Comment: This variant is present in population databases (rs373555761, gnomAD 0.01%). This sequence change replaces alanine, which is neutral and non-polar, with valine, which is neutral and non-polar, at codon 1051 of the SALL4 protein (p.Ala1051Val). This variant has not been reported in the literature in individuals affected with SALL4-related conditions. In summary, the available evidence is currently insufficient to determine the role of this variant in disease. Therefore, it has been classified as a Variant of Uncertain Significance. An algorithm developed to predict the effect of missense changes on protein structure and function (PolyPhen-2) suggests that this variant is likely to be disruptive.